The following is an entry in ClinVar:

ClinVar aggregate classification (germline): Pathogenic (1 of 4 stars; one submission).

Conditions:
Pyruvate carboxylase deficiency. Also called: ATAXIA WITH LACTIC ACIDOSIS II; LEIGH NECROTIZING ENCEPHALOPATHY DUE TO PYRUVATE CARBOXYLASE DEFICIENCY; LEIGH SYNDROME DUE TO PYRUVATE CARBOXYLASE DEFICIENCY; PC DEFICIENCY; Pyruvate Carboxylase Deficiency Disease. Identifiers: Orphanet 3008, MedGen C0034341, MONDO:0009949, OMIM 266150.

Submission:

Myriad Genetics, Inc.
Classification: Pathogenic for Pyruvate carboxylase deficiency. Last evaluated: 2024-05-18. Review status: criteria provided, single submitter. Criteria: Myriad Autosomal Dominant, Autosomal Recessive and X-Linked Classification Criteria (2023). Collection method: clinical testing. Allele origin: unknown.
Comment: NM_000920.3(PC):c.2984_2985delTA(V995Gfs*37) is expected to be pathogenic in the context of pyruvate carboxylase deficiency. This variant is predicted to lead to an abnormal or absent protein product due to the creation of a premature termination codon in PC, a gene where loss-of-function variants are known to be pathogenic. Please note: this variant was assessed in the context of healthy population screening.

NM_001040716.2(PC):c.2984_2985del (p.Val995fs)

Gene: PC (pyruvate carboxylase; minus strand). Cytogenetic location: 11q13.2.
Variant type: Deletion.
Coding change: c.2984_2985del on transcript NM_001040716.2 (MANE Select); coding-DNA positions 2984 to 2985, 2 bases deleted (TA; older notation c.2984_2985delTA).
Protein change: p.Val995fs; shifts the reading frame from valine 995.
Molecular consequence: frameshift variant.
Genome position (GRCh38, 1-based): chr11:66,849,773-66,849,774, TA deleted on the plus strand (TA on the coding strand, the reverse complement: PC is on the minus strand). VCF-style (leftmost placement, unchanged base first): chr11-66849772-CTA-C. GRCh37 (hg19) VCF-style: chr11-66617243-CTA-C.
Other names: c.2984_2985del, p.Val995fs (NM_000920.4, NM_001439352.1, NM_001439353.1 and 5 more transcripts); short protein forms V995fs.
Identifiers: ClinVar variation 5013068 (VCV005013068.1).
Genomic context (GRCh38, chr11:66,849,772, plus strand): 5'-CATCGGGGTACATAGCTGCTGAGAGCACATCTTCCGGCGTCACCTCCTCCCCATGCCGGT[CTA>C]CCAGCTCCTTCTCCAGTGCCTGCAGATCCAGGGGAGGGAGGGAGGCTCCAGGCCGCCCCT-3'